The following is an entry in ClinVar:

NM_000489.6(ATRX):c.5273-13T>G

Gene: ATRX (ATRX chromatin remodeler; minus strand). Cytogenetic location: Xq21.1.
Variant type: single nucleotide variant.
Coding change: c.5273-13T>G on transcript NM_000489.6 (MANE Select); 13 bases into the intron before coding-DNA position 5273, T replaced by G.
Molecular consequence: intron variant.
Genome position (GRCh38, 1-based): chrX:77,618,994, A>C on the plus strand (T>G on the coding strand, the complement: ATRX is on the minus strand). VCF-style: chrX-77618994-A-C. GRCh37 (hg19) VCF-style: chrX-76874462-A-C.
Other names: c.5159-13T>G (NM_138270.5).
Identifiers: ClinVar variation 3907671 (VCV003907671.1).

ClinVar aggregate classification (germline): Uncertain significance (1 of 4 stars; one submission).

Conditions:
Alpha thalassemia-X-linked intellectual disability syndrome (ATRX). Also called: ALPHA-THALASSEMIA/MENTAL RETARDATION SYNDROME, X-LINKED; ATR, NONDELETION TYPE; ATR-X syndrome; Alpha thalassemia mental retardation syndrome, nondeletion type, X-linked; XLMR hypotonic face syndrome; X-linked alpha-thalassemia-mental retardation syndrome. Identifiers: Orphanet 847, MedGen C1845055, MONDO:0010519, OMIM 301040.

Submission:

MVZ Medizinische Genetik Mainz
Classification: Uncertain significance for Alpha thalassemia-X-linked intellectual disability syndrome. Last evaluated: 2025-05-30. Review status: criteria provided, single submitter. Criteria: UK Practice Guidelines For Variant Classification V4 01 2020. Collection method: clinical testing. Allele origin: germline. Inheritance: X-linked dominant inheritance. Affected: yes. Observed: 1 variant allele.
Comment: ACMG Criteria: PS1_SUP,PM2_SUP,PP3